The following is an entry in ClinVar:

ClinVar aggregate classification (germline): Uncertain significance (1 of 4 stars; one submission).

Conditions:
Primary ciliary dyskinesia 32. Also called: CILIARY DYSKINESIA, PRIMARY, 32, WITHOUT SITUS INVERSUS. Identifiers: Orphanet 244, MedGen C4225311, MONDO:0014657, OMIM 616481.

gnomAD v4.1: 2 of 1,614,136 alleles (0.00012%); highest among the groups gnomAD compares: Admixed American, 0.0017%; no homozygotes.

Submission:

Labcorp Genetics (formerly Invitae), Labcorp
Classification: Uncertain significance for Primary ciliary dyskinesia 32. Last evaluated: 2024-05-08. Review status: criteria provided, single submitter. Criteria: Invitae Variant Classification Sherloc (09022015). Collection method: clinical testing. Allele origin: germline.
Comment: This sequence change replaces proline, which is neutral and non-polar, with leucine, which is neutral and non-polar, at codon 487 of the RSPH3 protein (p.Pro487Leu). This variant is present in population databases (rs756043916, gnomAD 0.003%). This variant has not been reported in the literature in individuals affected with RSPH3-related conditions. Algorithms developed to predict the effect of missense changes on protein structure and function output the following: SIFT: "Not Available"; PolyPhen-2: "Benign"; Align-GVGD: "Not Available". The leucine amino acid residue is found in multiple mammalian species, which suggests that this missense change does not adversely affect protein function. In summary, the available evidence is currently insufficient to determine the role of this variant in disease. Therefore, it has been classified as a Variant of Uncertain Significance.

NM_031924.8(RSPH3):c.1034C>T (p.Pro345Leu)

Gene: RSPH3 (radial spoke head 3; minus strand). Cytogenetic location: 6q25.3.
Variant type: single nucleotide variant.
Coding change: c.1034C>T on transcript NM_031924.8 (MANE Select); coding-DNA position 1034, C replaced by T.
Protein change: p.Pro345Leu; replaces proline 345 with leucine.
Molecular consequence: missense variant. On other transcripts: non-coding transcript variant (1).
Genome position (GRCh38, 1-based): chr6:158,977,761, G>A on the plus strand (C>T on the coding strand, the complement: RSPH3 is on the minus strand). VCF-style: chr6-158977761-G-A. GRCh37 (hg19) VCF-style: chr6-159398793-G-A.
Other names: c.1172C>T, p.Pro391Leu (NM_001346418.1); short protein forms P345L, P391L.
Identifiers: ClinVar variation 3606030 (VCV003606030.2).